The following is an entry in ClinVar:

NM_006516.4(SLC2A1):c.1199G>T (p.Arg400Leu)

Gene: SLC2A1 (solute carrier family 2 member 1; minus strand). Cytogenetic location: 1p34.2.
Variant type: single nucleotide variant.
Coding change: c.1199G>T on transcript NM_006516.4 (MANE Select); coding-DNA position 1199, G replaced by T.
Protein change: p.Arg400Leu; replaces arginine 400 with leucine.
Molecular consequence: missense variant.
Genome position (GRCh38, 1-based): chr1:42,927,684, C>A on the plus strand (G>T on the coding strand, the complement: SLC2A1 is on the minus strand). VCF-style: chr1-42927684-C-A. GRCh37 (hg19) VCF-style: chr1-43393355-C-A.
Other names: short protein forms R400L.
Identifiers: ClinVar variation 538678 (VCV000538678.10), dbSNP rs776095655, ClinGen allele CA803328.
Genomic context (GRCh38, chr1:42,927,684, plus strand): 5'-ATGCCCACAATGAAATTTGAGGTCCAGTTGGAGAAGCCTGCAACGGCAATGGCAGCTGGA[C>A]GTGGACCCTGGCTGAAGAGTTCAGCCACGATGAACCATGGGATGGGGCCAGGACCCACTT-3'
Protein context (NP_006507.2, residues 390-410): IVAELFSQGP[Arg400Leu]PAAIAVAGFS

ClinVar aggregate classification (germline): Pathogenic. Review status: criteria provided, multiple submitters, no conflicts (2 of 4 stars). 3 submissions from 3 submitters: Pathogenic (3). Last evaluated 2023-04-11.

Conditions:
Encephalopathy due to GLUT1 deficiency. Also called: GLUCOSE TRANSPORT DEFECT, BLOOD-BRAIN BARRIER; Classic Glucose Transporter Type 1 Deficiency Syndrome; De Vivo disease; Glucose transporter protein syndrome; GLUT1 deficiency syndrome 1, infantile onset, severe; GLUT1 deficiency syndrome 1. Identifiers: Orphanet 71277, MedGen C4551966, MONDO:0011724, OMIM 606777.
GLUT1 deficiency syndrome 1, autosomal recessive. Identifiers: MedGen C3149117.

Allele frequency attached by ClinVar (database versions not stated): gnomAD exomes below 0.00001; ExAC 0.00001.
gnomAD v4.1: 1 of 1,614,158 alleles (0.000062%); highest among the groups gnomAD compares: Non-Finnish European, 0.000085%; no homozygotes.

Submissions (3):

Genome-Nilou Lab
Classification: Pathogenic for Encephalopathy due to GLUT1 deficiency. Last evaluated: 2023-04-11. Review status: criteria provided, single submitter. Criteria: ACMG Guidelines, 2015. Collection method: clinical testing. Allele origin: germline. Affected: no.

GeneDx
Classification: Pathogenic. Last evaluated: 2023-02-23. Review status: criteria provided, single submitter. Criteria: GeneDx Variant Classification Process June 2021. Collection method: clinical testing. Allele origin: germline. Affected: yes.
Comment: Reported previously in the heterozygous state in a patient with epilepsy; however, no further clinical information was provided (Truty et al., 2019); In silico analysis supports that this missense variant has a deleterious effect on protein structure/function; Not observed at significant frequency in large population cohorts (gnomAD); This variant is associated with the following publications: (PMID: 18614966, 25919356, Waller_2019_Poster, 31440721, 21865127)

Labcorp Genetics (formerly Invitae), Labcorp
Classification: Pathogenic for GLUT1 deficiency syndrome 1, autosomal recessive. Last evaluated: 2022-02-05. Review status: criteria provided, single submitter. Criteria: Invitae Variant Classification Sherloc (09022015). Collection method: clinical testing. Allele origin: germline.
Comment: This variant is present in population databases (rs776095655, gnomAD 0.0009%). This sequence change replaces arginine, which is basic and polar, with leucine, which is neutral and non-polar, at codon 400 of the SLC2A1 protein (p.Arg400Leu). This missense change has been observed in individual(s) with GLUT1 deficiency syndrome (PMID: 21865127). In at least one individual the variant was observed to be de novo. ClinVar contains an entry for this variant (Variation ID: 538678). Advanced modeling of protein sequence and biophysical properties (such as structural, functional, and spatial information, amino acid conservation, physicochemical variation, residue mobility, and thermodynamic stability) performed at Invitae indicates that this missense variant is expected to disrupt SLC2A1 protein function. Experimental studies have shown that this missense change affects SLC2A1 function (PMID: 9335548). This variant disrupts the p.Arg400 amino acid residue in SLC2A1. Other variant(s) that disrupt this residue have been determined to be pathogenic (PMID: 21555602, 22704013, 22976442, 25487684, 26193382). This suggests that this residue is clinically significant, and that variants that disrupt this residue are likely to be disease-causing. For these reasons, this variant has been classified as Pathogenic.

Literature cited by the submitters: PubMed 21865127 (cited by Labcorp Genetics (formerly Invitae), Labcorp); PubMed 9335548 (cited by Labcorp Genetics (formerly Invitae), Labcorp); PubMed 21555602 (cited by Labcorp Genetics (formerly Invitae), Labcorp); PubMed 22704013 (cited by Labcorp Genetics (formerly Invitae), Labcorp); PubMed 22976442 (cited by Labcorp Genetics (formerly Invitae), Labcorp); PubMed 25487684 (cited by Labcorp Genetics (formerly Invitae), Labcorp); PubMed 26193382 (cited by Labcorp Genetics (formerly Invitae), Labcorp).